The following is an entry in ClinVar:

ClinVar aggregate classification (germline): Likely benign (1 of 4 stars; one submission).

Conditions:
Colorectal cancer, susceptibility to, 1. Also called: COLORECTAL ADENOMA AND CANCER, SUSCEPTIBILITY TO; COLORECTAL CANCER, SUSCEPTIBILITY TO, ON CHROMOSOME 9. Identifiers: MedGen C1837315, MONDO:0012132, OMIM 608812.

Submission:

Myriad Genetics, Inc.
Classification: Likely benign for Colorectal cancer, susceptibility to, 1. Last evaluated: 2026-04-21. Review status: criteria provided, single submitter. Criteria: Myriad Autosomal Dominant, Autosomal Recessive and X-Linked Classification Criteria (2023). Collection method: clinical testing. Allele origin: unknown.
Comment: This variant is considered likely benign. This variant is intronic and is not expected to impact mRNA splicing.

NM_024642.5(GALNT12):c.372-10G>C

Gene: GALNT12 (polypeptide N-acetylgalactosaminyltransferase 12; plus strand). Cytogenetic location: 9q22.33.
Variant type: single nucleotide variant.
Coding change: c.372-10G>C on transcript NM_024642.5 (MANE Select); 10 bases into the intron before coding-DNA position 372, G replaced by C.
Molecular consequence: intron variant.
Genome position (GRCh38, 1-based): chr9:98,823,246, G>C. VCF-style: chr9-98823246-G-C. GRCh37 (hg19) VCF-style: chr9-101585528-G-C.
Identifiers: ClinVar variation 4876148 (VCV004876148.1).